The following is an entry in ClinVar:

ClinVar aggregate classification (germline): Uncertain significance. Review status: criteria provided, multiple submitters, no conflicts (2 of 4 stars). 5 submissions from 5 submitters: Uncertain significance (5). Last evaluated 2026-07-03.

Conditions:
Cardiovascular phenotype. Identifiers: MedGen CN230736.
Hypertrophic cardiomyopathy 26. Also called: Cardiomyopathy, familial hypertrophic, 26. Identifiers: Orphanet 75249, MedGen C4310749, MONDO:0014883, OMIM 617047.
Dilated Cardiomyopathy, Dominant.
Myofibrillar myopathy 5. Also called: Filaminopathy (type); FILAMINOPATHY, AUTOSOMAL DOMINANT. Identifiers: Orphanet 171445, MedGen C1836050, MONDO:0012289, OMIM 609524.
Distal myopathy with posterior leg and anterior hand involvement. Also called: WILLIAMS DISTAL MYOPATHY. Identifiers: Orphanet 63273, MedGen C3279722, MONDO:0013550, OMIM 614065.

Allele frequency attached by ClinVar (database versions not stated): gnomAD exomes 0.00001; gnomAD 0.00001; ExAC 0.00002; TOPMed 0.00002.
gnomAD v4.1: 15 of 1,613,728 alleles (0.00093%); highest among the groups gnomAD compares: Non-Finnish European, 0.0012%; no homozygotes.

Submissions (5):

MVZ Martinsried, Medicover Genetics
Classification: Uncertain significance for Hypertrophic cardiomyopathy 26. Last evaluated: 2026-07-03. Review status: criteria provided, single submitter. Criteria: ClinGen Variant Curation SOP V3.2 + Classification Guidance July2025. Collection method: clinical testing. Allele origin: unknown. Affected: yes. Observed: 1 heterozygote.

Women's Health and Genetics/Laboratory Corporation of America, LabCorp
Classification: Uncertain significance. Last evaluated: 2026-06-19. Review status: criteria provided, single submitter. Criteria: LabCorp Variant Classification Summary - May 2015. Collection method: clinical testing. Allele origin: germline.

Ambry Genetics
Classification: Uncertain significance for Cardiovascular phenotype. Last evaluated: 2024-02-22. Review status: criteria provided, single submitter. Criteria: Ambry Variant Classification Scheme 2023. Collection method: clinical testing. Allele origin: germline.
Comment: The p.E609K variant (also known as c.1825G>A), located in coding exon 12 of the FLNC gene, results from a G to A substitution at nucleotide position 1825. The glutamic acid at codon 609 is replaced by lysine, an amino acid with similar properties. This amino acid position is highly conserved in available vertebrate species. In addition, this alteration is predicted to be deleterious by in silico analysis. Since supporting evidence is limited at this time, the clinical significance of this alteration remains unclear.

Revvity Omics, Revvity
Classification: Uncertain significance. Last evaluated: 2023-12-08. Review status: criteria provided, single submitter. Criteria: ACMG Guidelines, 2015. Collection method: clinical testing. Allele origin: germline.

Labcorp Genetics (formerly Invitae), Labcorp
Classification: Uncertain significance for Distal myopathy with posterior leg and anterior hand involvement; Myofibrillar myopathy 5; Hypertrophic cardiomyopathy 26. Last evaluated: 2023-11-14. Review status: criteria provided, single submitter. Criteria: Invitae Variant Classification Sherloc (09022015). Collection method: clinical testing. Allele origin: germline.
Comment: This sequence change replaces glutamic acid, which is acidic and polar, with lysine, which is basic and polar, at codon 609 of the FLNC protein (p.Glu609Lys). This variant is present in population databases (rs758389160, gnomAD 0.003%). This variant has not been reported in the literature in individuals affected with FLNC-related conditions. ClinVar contains an entry for this variant (Variation ID: 471988). Advanced modeling of protein sequence and biophysical properties (such as structural, functional, and spatial information, amino acid conservation, physicochemical variation, residue mobility, and thermodynamic stability) has been performed at Invitae for this missense variant, however the output from this modeling did not meet the statistical confidence thresholds required to predict the impact of this variant on FLNC protein function. In summary, the available evidence is currently insufficient to determine the role of this variant in disease. Therefore, it has been classified as a Variant of Uncertain Significance.

NM_001458.5(FLNC):c.1825G>A (p.Glu609Lys)

Gene: FLNC (filamin C; plus strand). Cytogenetic location: 7q32.1.
Variant type: single nucleotide variant.
Coding change: c.1825G>A on transcript NM_001458.5 (MANE Select); coding-DNA position 1825, G replaced by A.
Protein change: p.Glu609Lys; replaces glutamic acid 609 with lysine.
Molecular consequence: missense variant.
Genome position (GRCh38, 1-based): chr7:128,841,181, G>A. VCF-style: chr7-128841181-G-A. GRCh37 (hg19) VCF-style: chr7-128481235-G-A.
Other names: c.1825G>A, p.Glu609Lys (NM_001127487.2); short protein forms E609K.
Identifiers: ClinVar variation 471988 (VCV000471988.13), dbSNP rs758389160, ClinGen allele CA4474509.